The following is an entry in ClinVar:

ClinVar aggregate classification (germline): Conflicting classifications of pathogenicity. Review status: criteria provided, conflicting classifications (1 of 4 stars). 2 submissions from 2 submitters: Uncertain significance (1); Likely benign (1). Last evaluated 2024-10-15.

Allele frequency attached by ClinVar (database versions not stated): gnomAD exomes 0.00002; ExAC 0.00003; gnomAD 0.00003; ESP Exome Variant Server 0.00008.
gnomAD v4.1: 81 of 1,609,736 alleles (0.005%); highest among the groups gnomAD compares: East Asian, 0.0067%; no homozygotes.

Submissions (2):

Labcorp Genetics (formerly Invitae), Labcorp
Classification: Likely benign. Last evaluated: 2024-10-15. Review status: criteria provided, single submitter. Criteria: Invitae Variant Classification Sherloc (09022015). Collection method: clinical testing. Allele origin: germline.

CeGaT Center for Human Genetics Tuebingen
Classification: Uncertain significance. Last evaluated: 2023-07-01. Review status: criteria provided, single submitter. Criteria: CeGaT Center For Human Genetics Tuebingen Variant Classification Criteria Version 2. Collection method: clinical testing. Allele origin: germline. Affected: yes. Observed: 1 variant allele.
Comment: FBXO11: PM2:Supporting

NM_001190274.2(FBXO11):c.691C>T (p.Pro231Ser)

Gene: FBXO11 (F-box protein 11; minus strand). Cytogenetic location: 2p16.3.
Variant type: single nucleotide variant.
Coding change: c.691C>T on transcript NM_001190274.2 (MANE Select); coding-DNA position 691, C replaced by T.
Protein change: p.Pro231Ser; replaces proline 231 with serine.
Molecular consequence: missense variant.
Genome position (GRCh38, 1-based): chr2:47,835,898, G>A on the plus strand (C>T on the coding strand, the complement: FBXO11 is on the minus strand). VCF-style: chr2-47835898-G-A. GRCh37 (hg19) VCF-style: chr2-48063037-G-A.
Other names: c.439C>T, p.Pro147Ser (NM_001374325.1, NM_025133.4); short protein forms P147S, P231S.
Identifiers: ClinVar variation 1564433 (VCV001564433.31), dbSNP rs373208804, ClinGen allele CA1650053.